The following is an entry in ClinVar:

ClinVar aggregate classification (germline): Pathogenic (1 of 4 stars; one submission).

Submission:

Labcorp Genetics (formerly Invitae), Labcorp
Classification: Pathogenic. Last evaluated: 2026-01-19. Review status: criteria provided, single submitter. Criteria: Invitae Variant Classification Sherloc (09022015). Collection method: clinical testing. Allele origin: germline.
Comment: This sequence change creates a premature translational stop signal (p.Met94Valfs*22) in the CIB2 gene. It is expected to result in an absent or disrupted protein product. Loss-of-function variants in CIB2 are known to be pathogenic (PMID: 26173970, 26226137, 26445815). This variant is not present in population databases (gnomAD no frequency). This variant has not been reported in the literature in individuals affected with CIB2-related conditions. For these reasons, this variant has been classified as Pathogenic.

Literature cited by the submitters: PubMed 26173970; PubMed 26226137; PubMed 26445815.

NM_006383.4(CIB2):c.280_281del (p.Met94fs)

Gene: CIB2 (calcium and integrin binding family member 2; minus strand). Cytogenetic location: 15q25.1.
Variant type: Deletion.
Coding change: c.280_281del on transcript NM_006383.4 (MANE Select); coding-DNA positions 280 to 281, 2 bases deleted (AT; older notation c.280_281delAT).
Protein change: p.Met94fs; shifts the reading frame from methionine 94.
Molecular consequence: frameshift variant. On other transcripts: non-coding transcript variant (1).
Genome position (GRCh38, 1-based): chr15:78,109,300-78,109,301, AT deleted on the plus strand (AT on the coding strand, the reverse complement: CIB2 is on the minus strand). VCF-style (leftmost placement, unchanged base first): chr15-78109299-CAT-C. GRCh37 (hg19) VCF-style: chr15-78401641-CAT-C.
Other names: c.151_152del, p.Met51fs (NM_001271888.2); c.133_134del, p.Met45fs (NM_001271889.2); c.295_296del, p.Met99fs (NM_001301224.2); short protein forms M45fs, M51fs, M94fs, M99fs.
Identifiers: ClinVar variation 4809535 (VCV004809535.1).